The following is an entry in ClinVar:

NM_206937.2(LIG4):c.1617A>T (p.Leu539Phe)

Gene: LIG4 (DNA ligase 4; minus strand). Cytogenetic location: 13q33.3.
Variant type: single nucleotide variant.
Coding change: c.1617A>T on transcript NM_206937.2 (MANE Select); coding-DNA position 1617, A replaced by T.
Protein change: p.Leu539Phe; replaces leucine 539 with phenylalanine.
Molecular consequence: missense variant.
Genome position (GRCh38, 1-based): chr13:108,209,652, T>A on the plus strand (A>T on the coding strand, the complement: LIG4 is on the minus strand). VCF-style: chr13-108209652-T-A. GRCh37 (hg19) VCF-style: chr13-108862000-T-A.
Other names: c.1617A>T, p.Leu539Phe (NM_001098268.2, NM_001352598.2, NM_001352599.2 and 6 more transcripts); c.1416A>T, p.Leu472Phe (NM_001330595.2); c.1653A>T, p.Leu551Phe (NM_001352604.2); short protein forms L539F, L472F, L551F.
Identifiers: ClinVar variation 310982 (VCV000310982.14), dbSNP rs3742212, ClinGen allele CA7043655.

ClinVar aggregate classification (germline): Uncertain significance. Review status: criteria provided, multiple submitters, no conflicts (2 of 4 stars). 4 submissions from 3 submitters: Uncertain significance (4). Last evaluated 2024-01-31.

Conditions:
DNA ligase IV deficiency. Identifiers: Orphanet 99812, MedGen C1847827, MONDO:0011686, OMIM 606593.
Severe combined immunodeficiency due to DCLRE1C deficiency (RS-SCID). Also called: SCID, AUTOSOMAL RECESSIVE, T CELL-NEGATIVE, B CELL-NEGATIVE, NK CELL-POSITIVE, WITH SENSITIVITY TO IONIZING RADIATION. Identifiers: Orphanet 275, MedGen C1865371, MONDO:0011225, OMIM 602450.
Multiple myeloma (MM). Also called: Plasma cell myeloma; Multiple myeloma, somatic. Identifiers: Orphanet 29073, Orphanet 85443, MedGen C0026764, MeSH D009101, MONDO:0009693, OMIM 254500, HP:0006775.

Allele frequency attached by ClinVar (database versions not stated): ExAC 0.00012; 1000 Genomes Project 30x 0.00016; gnomAD 0.00003 and 0.00001; TOPMed 0.00007; gnomAD exomes 0.00012; 1000 Genomes Project 0.00020.
gnomAD v4.1: 126 of 1,614,190 alleles (0.0078%); highest among the groups gnomAD compares: East Asian, 0.21%; no homozygotes.

Submissions (4):

Labcorp Genetics (formerly Invitae), Labcorp
Classification: Uncertain significance for DNA ligase IV deficiency. Last evaluated: 2024-01-31. Review status: criteria provided, single submitter. Criteria: Invitae Variant Classification Sherloc (09022015). Collection method: clinical testing. Allele origin: germline.
Comment: This sequence change replaces leucine, which is neutral and non-polar, with phenylalanine, which is neutral and non-polar, at codon 539 of the LIG4 protein (p.Leu539Phe). This variant is present in population databases (rs3742212, gnomAD 0.1%). This variant has not been reported in the literature in individuals affected with LIG4-related conditions. ClinVar contains an entry for this variant (Variation ID: 310982). Advanced modeling of protein sequence and biophysical properties (such as structural, functional, and spatial information, amino acid conservation, physicochemical variation, residue mobility, and thermodynamic stability) performed at Invitae indicates that this missense variant is expected to disrupt LIG4 protein function with a positive predictive value of 80%. In summary, the available evidence is currently insufficient to determine the role of this variant in disease. Therefore, it has been classified as a Variant of Uncertain Significance.

Fulgent Genetics
Classification: Uncertain significance for Multiple myeloma; DNA ligase IV deficiency. Last evaluated: 2024-01-23. Review status: criteria provided, single submitter. Criteria: ACMG Guidelines, 2015. Collection method: clinical testing. Allele origin: germline.

Illumina Laboratory Services, Illumina
Classification: Uncertain significance for Severe combined immunodeficiency due to DCLRE1C deficiency. Last evaluated: 2018-01-12. Review status: criteria provided, single submitter. Criteria: ICSL Variant Classification Criteria 13 December 2019. Collection method: clinical testing. Allele origin: germline.

Illumina Laboratory Services, Illumina
Classification: Uncertain significance for DNA ligase IV deficiency. Last evaluated: 2018-01-12. Review status: criteria provided, single submitter. Criteria: ICSL Variant Classification Criteria 13 December 2019. Collection method: clinical testing. Allele origin: germline.